The following is an entry in ClinVar:

ClinVar aggregate classification (germline): Benign/Likely benign. Review status: criteria provided, multiple submitters, no conflicts (2 of 4 stars). 2 submissions from 2 submitters: Benign (1); Likely benign (1). Last evaluated 2025-01-30.

Conditions:
Lynch syndrome 4 (LYNCH4). Also called: Hereditary non-polyposis colorectal cancer, type 4; Colorectal cancer, hereditary nonpolyposis, type 4. Identifiers: Orphanet 144, MedGen C1838333, MONDO:0013699, OMIM 614337. Disease mechanism: loss of function.
Hereditary nonpolyposis colorectal neoplasms. Identifiers: MedGen C0009405, MeSH D003123.

Submissions (2):

Myriad Genetics, Inc.
Classification: Benign for Lynch syndrome 4. Last evaluated: 2025-01-30. Review status: criteria provided, single submitter. Criteria: Myriad Autosomal Dominant, Autosomal Recessive and X-Linked Classification Criteria (2023). Collection method: clinical testing. Allele origin: unknown.
Comment: This variant is considered benign. This variant is a silent/synonymous amino acid change and it is not expected to impact splicing.

Labcorp Genetics (formerly Invitae), Labcorp
Classification: Likely benign for Hereditary nonpolyposis colorectal neoplasms. Last evaluated: 2024-11-30. Review status: criteria provided, single submitter. Criteria: Invitae Variant Classification Sherloc (09022015). Collection method: clinical testing. Allele origin: germline.

NM_000535.7(PMS2):c.1497T>G (p.Thr499=)

Gene: PMS2 (PMS1 homolog 2, mismatch repair system component; minus strand). Cytogenetic location: 7p22.1.
Variant type: single nucleotide variant.
Coding change: c.1497T>G on transcript NM_000535.7 (MANE Select); coding-DNA position 1497, T replaced by G.
Protein change: p.Thr499=; no amino-acid change (threonine 499 retained).
Molecular consequence: synonymous variant. On other transcripts: non-coding transcript variant (1), intron variant (1).
Genome position (GRCh38, 1-based): chr7:5,987,268, A>C on the plus strand (T>G on the coding strand, the complement: PMS2 is on the minus strand). VCF-style: chr7-5987268-A-C. GRCh37 (hg19) VCF-style: chr7-6026899-A-C.
Other names: c.1032T>G, p.Thr344= (NM_001406900.1); c.1023T>G, p.Thr341= (NM_001406901.1, NM_001406902.1); c.1179T>G, p.Thr393= (NM_001406903.1, NM_001322007.2, NM_001322008.2 and 2 more transcripts); c.984T>G, p.Thr328= (NM_001406904.1, NM_001406905.1); c.936T>G, p.Thr312= (NM_001406906.1, NM_001406907.1, NM_001322010.2); c.1092T>G, p.Thr364= (NM_001406908.1, NM_001406910.1, NM_001322003.2 and 16 more transcripts); c.924T>G, p.Thr308= (NM_001406909.1, NM_001322013.2); c.726T>G, p.Thr242= (NM_001406911.1); and 13 more.
Identifiers: ClinVar variation 3726393 (VCV003726393.3).